The following is an entry in ClinVar:

ClinVar aggregate classification (germline): Pathogenic (1 of 4 stars; one submission).

Conditions:
Glycogen storage disease, type II (IOPD). Also called: Pompe Disease; CARDIOMEGALIA GLYCOGENICA DIFFUSA; GLYCOGENOSIS, GENERALIZED, CARDIAC FORM; GSD II; POMPE DISEASE, INFANTILE-ONSET; GLYCOGEN STORAGE DISEASE II, INFANTILE-ONSET. Identifiers: Orphanet 365, MedGen C0017921, MONDO:0009290, OMIM 232300.

Submission:

Genomenon, Inc
Classification: Pathogenic for Glycogen storage disease, type II. Last evaluated: 2026-07-01. Review status: criteria provided, single submitter. Criteria: Genomenon Sequence Variant Interpretation Standards - Updated. Collection method: curation. Allele origin: germline.
Comment: GAA p.Arg794ProfsTer2 (c.2380dup) is a frameshift variant that is predicted to introduce a premature termination codon and result in a truncated or absent protein product. This variant has been reported in the compound heterozygous and/or homozygous state in at least one individual without a confirmed diagnosis of Pompe disease (PMID:29181627). It is absent or not present at a significant frequency in gnomAD. In conclusion, we classify GAA p.Arg794ProfsTer2 (c.2380dup) as a pathogenic variant.

Literature cited by the submitters: PubMed 29181627.

NM_000152.5(GAA):c.2380dup (p.Arg794fs)

Gene: GAA (alpha glucosidase; plus strand). Cytogenetic location: 17q25.3.
Variant type: Duplication.
Coding change: c.2380dup on transcript NM_000152.5 (MANE Select); coding-DNA position 2380, one base duplicated (C; older notation c.2380dupC).
Protein change: p.Arg794fs; shifts the reading frame from arginine 794.
Molecular consequence: frameshift variant.
Genome position (GRCh38, 1-based): chr17:80,117,648, C duplicated; the last of 4 consecutive C bases (chr17:80,117,645-80,117,648); duplicating any one gives the same sequence. VCF-style (leftmost placement, unchanged base first): chr17-80117644-T-TC. GRCh37 (hg19) VCF-style: chr17-78091443-T-TC.
Other names: c.2380dup, p.Arg794fs (NM_001079803.3, NM_001079804.3, NM_001406741.1 and 1 more transcripts); short protein forms R794fs.
Identifiers: ClinVar variation 4876677 (VCV004876677.1).